The following is an entry in ClinVar:

ClinVar aggregate classification (germline): Uncertain significance (1 of 4 stars; one submission).

Conditions:
Hereditary cancer-predisposing syndrome. Also called: Hereditary Cancer Syndrome; Hereditary neoplastic syndrome; Neoplastic Syndromes, Hereditary; Tumor predisposition. Identifiers: Orphanet 140162, MedGen C0027672, MeSH D009386, MONDO:0015356.

Submission:

Ambry Genetics
Classification: Uncertain significance for Hereditary cancer-predisposing syndrome. Last evaluated: 2021-10-08. Review status: criteria provided, single submitter. Criteria: Ambry Variant Classification Scheme 2023. Collection method: clinical testing. Allele origin: germline.
Comment: The p.H474N variant (also known as c.1420C>A), located in coding exon 5 of the AXIN2 gene, results from a C to A substitution at nucleotide position 1420. The histidine at codon 474 is replaced by asparagine, an amino acid with similar properties. This amino acid position is conserved. In addition, this alteration is predicted to be tolerated by in silico analysis. Since supporting evidence is limited at this time, the clinical significance of this alteration remains unclear.

NM_004655.4(AXIN2):c.1420C>A (p.His474Asn)

Gene: AXIN2 (axin 2; minus strand). Cytogenetic location: 17q24.1.
Variant type: single nucleotide variant.
Coding change: c.1420C>A on transcript NM_004655.4 (MANE Select); coding-DNA position 1420, C replaced by A.
Protein change: p.His474Asn; replaces histidine 474 with asparagine.
Molecular consequence: missense variant.
Genome position (GRCh38, 1-based): chr17:65,537,616, G>T on the plus strand (C>A on the coding strand, the complement: AXIN2 is on the minus strand). VCF-style: chr17-65537616-G-T. GRCh37 (hg19) VCF-style: chr17-63533734-G-T.
Other names: c.1420C>A, p.His474Asn (NM_001363813.1); short protein forms H474N.
Identifiers: ClinVar variation 1772251 (VCV001772251.2), dbSNP rs1060502132, ClinGen allele CA400677537.